The following is an entry in ClinVar:

NM_000350.3(ABCA4):c.2742C>T (p.His914=)

Gene: ABCA4 (ATP binding cassette subfamily A member 4; minus strand). Cytogenetic location: 1p22.1.
Variant type: single nucleotide variant.
Coding change: c.2742C>T on transcript NM_000350.3 (MANE Select); coding-DNA position 2742, C replaced by T.
Protein change: p.His914=; no amino-acid change (histidine 914 retained).
Molecular consequence: synonymous variant.
Genome position (GRCh38, 1-based): chr1:94,048,869, G>A on the plus strand (C>T on the coding strand, the complement: ABCA4 is on the minus strand). VCF-style: chr1-94048869-G-A. GRCh37 (hg19) VCF-style: chr1-94514425-G-A.
Other names: c.2520C>T, p.His840= (NM_001425324.1).
Identifiers: ClinVar variation 513940 (VCV000513940.8), dbSNP rs1362746093, ClinGen allele CA418813519.

ClinVar aggregate classification (germline): Conflicting classifications of pathogenicity. Review status: criteria provided, conflicting classifications (1 of 4 stars). 3 submissions from 3 submitters: Uncertain significance (2); Likely benign (1). Last evaluated 2025-01-27.

Allele frequency attached by ClinVar (database versions not stated): gnomAD 0.00001; gnomAD exomes 0.00001; TOPMed 0.00001.
gnomAD v4.1: 11 of 1,613,848 alleles (0.00068%); highest among the groups gnomAD compares: African/African-American, 0.0013%; no homozygotes.

Submissions (3):

Labcorp Genetics (formerly Invitae), Labcorp
Classification: Uncertain significance. Last evaluated: 2025-01-27. Review status: criteria provided, single submitter. Criteria: Invitae Variant Classification Sherloc (09022015). Collection method: clinical testing. Allele origin: germline.
Comment: This sequence change affects codon 914 of the ABCA4 mRNA. It is a 'silent' change, meaning that it does not change the encoded amino acid sequence of the ABCA4 protein. It affects a nucleotide within the consensus splice site. This variant is present in population databases (no rsID available, gnomAD 0.006%). This variant has not been reported in the literature in individuals affected with ABCA4-related conditions. ClinVar contains an entry for this variant (Variation ID: 513940). Algorithms developed to predict the effect of sequence changes on RNA splicing suggest that this variant is not likely to affect RNA splicing. In summary, the available evidence is currently insufficient to determine the role of this variant in disease. Therefore, it has been classified as a Variant of Uncertain Significance.

Blueprint Genetics
Classification: Uncertain significance. Last evaluated: 2024-08-08. Review status: criteria provided, single submitter. Criteria: ACMG Guidelines, 2015. Collection method: clinical testing. Allele origin: germline.

GeneDx
Classification: Likely benign. Last evaluated: 2017-11-29. Review status: criteria provided, single submitter. Criteria: GeneDx Variant Classification (06012015). Collection method: clinical testing. Allele origin: germline. Affected: yes.
Comment: This variant is considered likely benign or benign based on one or more of the following criteria: it is a conservative change, it occurs at a poorly conserved position in the protein, it is predicted to be benign by multiple in silico algorithms, and/or has population frequency not consistent with disease.